The following is an entry in ClinVar:

NM_005956.4(MTHFD1):c.1543A>T (p.Ile515Leu)

Gene: MTHFD1 (methylenetetrahydrofolate dehydrogenase, cyclohydrolase and formyltetrahydrofolate synthetase 1; plus strand). Cytogenetic location: 14q23.3.
Variant type: single nucleotide variant.
Coding change: c.1543A>T on transcript NM_005956.4 (MANE Select); coding-DNA position 1543, A replaced by T.
Protein change: p.Ile515Leu; replaces isoleucine 515 with leucine.
Molecular consequence: missense variant.
Genome position (GRCh38, 1-based): chr14:64,435,617, A>T. VCF-style: chr14-64435617-A-T. GRCh37 (hg19) VCF-style: chr14-64902335-A-T.
Other names: c.1543A>T, p.Ile515Leu (NM_001364837.1); short protein forms I515L.
Identifiers: ClinVar variation 1381691 (VCV001381691.8), dbSNP rs2140971218, ClinGen allele CA389993562.

ClinVar aggregate classification (germline): Uncertain significance (1 of 4 stars; one submission).

Submission:

Labcorp Genetics (formerly Invitae), Labcorp
Classification: Uncertain significance. Last evaluated: 2021-03-25. Review status: criteria provided, single submitter. Criteria: Invitae Variant Classification Sherloc (09022015). Collection method: clinical testing. Allele origin: germline.
Comment: This variant is not present in population databases (ExAC no frequency). This sequence change replaces isoleucine with leucine at codon 515 of the MTHFD1 protein (p.Ile515Leu). The isoleucine residue is moderately conserved and there is a small physicochemical difference between isoleucine and leucine. This variant has not been reported in the literature in individuals with MTHFD1-related conditions. Algorithms developed to predict the effect of missense changes on protein structure and function (SIFT, PolyPhen-2, Align-GVGD) all suggest that this variant is likely to be tolerated, but these predictions have not been confirmed by published functional studies and their clinical significance is uncertain. In summary, the available evidence is currently insufficient to determine the role of this variant in disease. Therefore, it has been classified as a Variant of Uncertain Significance.